The following is an entry in ClinVar:

ClinVar aggregate classification (germline): Uncertain significance (1 of 4 stars; one submission).

Submission:

Labcorp Genetics (formerly Invitae), Labcorp
Classification: Uncertain significance. Last evaluated: 2021-05-21. Review status: criteria provided, single submitter. Criteria: Invitae Variant Classification Sherloc (09022015). Collection method: clinical testing. Allele origin: germline.
Comment: In summary, the available evidence is currently insufficient to determine the role of this variant in disease. Therefore, it has been classified as a Variant of Uncertain Significance. Algorithms developed to predict the effect of missense changes on protein structure and function are either unavailable or do not agree on the potential impact of this missense change (SIFT: "Deleterious"; PolyPhen-2: "Probably Damaging"; Align-GVGD: "Class C0"). This variant has not been reported in the literature in individuals with CCDC88A-related conditions. This variant is not present in population databases (ExAC no frequency). This sequence change replaces alanine with serine at codon 976 of the CCDC88A protein (p.Ala976Ser). The alanine residue is highly conserved and there is a moderate physicochemical difference between alanine and serine.

NM_001365480.1(CCDC88A):c.2929G>T (p.Ala977Ser)

Gene: CCDC88A (coiled-coil and HOOK domain protein 88A; minus strand). Cytogenetic location: 2p16.1.
Variant type: single nucleotide variant.
Coding change: c.2929G>T on transcript NM_001365480.1 (MANE Select); coding-DNA position 2929, G replaced by T.
Protein change: p.Ala977Ser; replaces alanine 977 with serine.
Molecular consequence: missense variant.
Genome position (GRCh38, 1-based): chr2:55,328,362, C>A on the plus strand (G>T on the coding strand, the complement: CCDC88A is on the minus strand). VCF-style: chr2-55328362-C-A. GRCh37 (hg19) VCF-style: chr2-55555498-C-A.
Other names: c.2926G>T, p.Ala976Ser (NM_001135597.2, NM_001254943.2); c.2929G>T, p.Ala977Ser (NM_018084.5); short protein forms A977S, A976S.
Identifiers: ClinVar variation 1479519 (VCV001479519.8), dbSNP rs2104666153, ClinGen allele CA346895859.